The following is an entry in ClinVar:

NM_004360.5(CDH1):c.251C>A (p.Thr84Lys)

Gene: CDH1 (cadherin 1; plus strand). Cytogenetic location: 16q22.1.
Variant type: single nucleotide variant.
Coding change: c.251C>A on transcript NM_004360.5 (MANE Select); coding-DNA position 251, C replaced by A.
Protein change: p.Thr84Lys; replaces threonine 84 with lysine.
Molecular consequence: missense variant. On other transcripts: 5 prime UTR variant (2).
Genome position (GRCh38, 1-based): chr16:68,801,757, C>A. VCF-style: chr16-68801757-C-A. GRCh37 (hg19) VCF-style: chr16-68835660-C-A.
Other names: c.251C>A, p.Thr84Lys (NM_001317184.2); c.-1365C>A (NM_001317185.2); c.-1569C>A (NM_001317186.2); short protein forms T84K.
Identifiers: ClinVar variation 2044033 (VCV002044033.4), dbSNP rs754388534, ClinGen allele CA396457242.
Genomic context (GRCh38, chr16:68,801,757, plus strand): 5'-AAAGGACAGCCTATTTTTCCCTCGACACCCGATTCAAAGTGGGCACAGATGGTGTGATTA[C>A]AGTCAAAAGGCCTCTACGGTTTCATAACCCACAGATCCATTTCTTGGTCTACGCCTGGGA-3'
Protein context (NP_004351.1, residues 74-94): RFKVGTDGVI[Thr84Lys]VKRPLRFHNP

ClinVar aggregate classification (germline): Uncertain significance (1 of 4 stars; one submission).

Conditions:
Hereditary diffuse gastric adenocarcinoma (HDGC). Also called: DIFFUSE GASTRIC AND LOBULAR BREAST CANCER SYNDROME. Identifiers: Orphanet 26106, MedGen C1708349, MONDO:0007648, OMIM 137215.

Submission:

Labcorp Genetics (formerly Invitae), Labcorp
Classification: Uncertain significance for Hereditary diffuse gastric adenocarcinoma. Last evaluated: 2021-12-15. Review status: criteria provided, single submitter. Criteria: Invitae Variant Classification Sherloc (09022015). Collection method: clinical testing. Allele origin: germline.
Comment: This variant has not been reported in the literature in individuals affected with CDH1-related conditions. This variant is not present in population databases (gnomAD no frequency). This sequence change replaces threonine, which is neutral and polar, with lysine, which is basic and polar, at codon 84 of the CDH1 protein (p.Thr84Lys). Algorithms developed to predict the effect of missense changes on protein structure and function output the following: SIFT: "Tolerated"; PolyPhen-2: "Benign"; Align-GVGD: "Class C0". The lysine amino acid residue is found in multiple mammalian species, which suggests that this missense change does not adversely affect protein function. In summary, the available evidence is currently insufficient to determine the role of this variant in disease. Therefore, it has been classified as a Variant of Uncertain Significance.